The following is an entry in ClinVar:

ClinVar aggregate classification (germline): Uncertain significance (1 of 4 stars; one submission).

Submission:

GeneDx
Classification: Uncertain significance. Last evaluated: 2017-01-31. Review status: criteria provided, single submitter. Criteria: GeneDx Variant Classification (06012015). Collection method: clinical testing. Allele origin: germline. Affected: yes.
Comment: The R652T variant in the CLCN4 gene has not been reported previously as a pathogenic variant, nor as a benign variant, to our knowledge. This variant was not observed in approximately 6500 individuals of European and African American ancestry in the NHLBI Exome Sequencing Project, indicating it is not a common benign variant in these populations. The R652T variant is a semi-conservative amino acid substitution, which may impact secondary protein structure as these residues differ in some properties. This substitution occurs at a position that is conserved across species. In silico analysis is inconsistent in its predictions as to whether or not the variant is damaging to the protein structure/function. We interpret R652T as a variant of uncertain significance.

NM_001830.4(CLCN4):c.1955G>C (p.Arg652Thr)

Gene: CLCN4 (chloride voltage-gated channel 4; plus strand). Cytogenetic location: Xp22.2.
Variant type: single nucleotide variant.
Coding change: c.1955G>C on transcript NM_001830.4 (MANE Select); coding-DNA position 1955, G replaced by C.
Protein change: p.Arg652Thr; replaces arginine 652 with threonine.
Molecular consequence: missense variant.
Genome position (GRCh38, 1-based): chrX:10,214,059, G>C. VCF-style: chrX-10214059-G-C. GRCh37 (hg19) VCF-style: chrX-10182099-G-C.
Other names: c.1673G>C, p.Arg558Thr (NM_001256944.2); short protein forms R652T, R558T.
Identifiers: ClinVar variation 420547 (VCV000420547.2), dbSNP rs1064794549, ClinGen allele CA16621167.